The following is an entry in ClinVar:

ClinVar aggregate classification (germline): Pathogenic/Likely pathogenic. Review status: criteria provided, multiple submitters, no conflicts (2 of 4 stars). 4 submissions from 4 submitters: Pathogenic (2); Likely pathogenic (2). Last evaluated 2024-09-17.

Conditions:
Pontocerebellar hypoplasia type 6 (PCH6). Identifiers: Orphanet 166073, MedGen C1969084, MONDO:0012683, OMIM 611523.

Submissions (4):

Natera, Inc.
Classification: Likely pathogenic for Pontocerebellar hypoplasia, type 6. Last evaluated: 2024-09-17. Review status: criteria provided, single submitter. Criteria: Natera Variant Classification Schema (03/2026). Collection method: clinical testing. Allele origin: germline.
Comment: The c.1612del variant in RARS2 is a frameshift variant predicted to shift the reading frame beginning at codon 538 and leads to a stop codon 4 codons downstream. This variant may result in a truncated or dysfunctional protein product. This variant is rare in the general population with a frequency below the threshold expected for the associated phenotype(s). This variant has been observed in one or more individuals affected with the associated recessive disease, as either homozygous or compound heterozygous with a second variant (PMID: 30921410). Given the available evidence, this variant is classified as Likely Pathogenic.

Labcorp Genetics (formerly Invitae), Labcorp
Classification: Pathogenic. Last evaluated: 2023-12-31. Review status: criteria provided, single submitter. Criteria: Invitae Variant Classification Sherloc (09022015). Collection method: clinical testing. Allele origin: germline.
Comment: This sequence change creates a premature translational stop signal (p.Thr538Hisfs*4) in the RARS2 gene. While this is not anticipated to result in nonsense mediated decay, it is expected to disrupt the last 41 amino acid(s) of the RARS2 protein. This variant is present in population databases (rs781417096, gnomAD 0.004%). This variant has not been reported in the literature in individuals affected with RARS2-related conditions. ClinVar contains an entry for this variant (Variation ID: 522857). This variant disrupts a region of the RARS2 protein in which other variant(s) (p.Arg560His) have been determined to be pathogenic (PMID: 31618753, 31665838, 35068129; Invitae). This suggests that this is a clinically significant region of the protein, and that variants that disrupt it are likely to be disease-causing. For these reasons, this variant has been classified as Pathogenic.

Baylor Genetics
Classification: Likely pathogenic for Pontocerebellar hypoplasia type 6. Last evaluated: 2023-05-25. Review status: criteria provided, single submitter. Criteria: ACMG Guidelines, 2015. Collection method: clinical testing. Allele origin: unknown.

Undiagnosed Diseases Network, NIH
Classification: Pathogenic for Pontocerebellar hypoplasia type 6. Last evaluated: 2016-10-07. Review status: criteria provided, single submitter. Criteria: ACMG Guidelines, 2015. Collection method: clinical testing. Allele origin: maternal. Inheritance: Autosomal recessive inheritance. Affected: yes. Observed: 2 variant alleles, 2 compound heterozygotes. Clinical features observed: Seizures (HP:0001250), Scoliosis (HP:0002650), Progressive spasticity (HP:0002191), Postnatal microcephaly (HP:0005484), Microcephaly (HP:0000252), Global developmental delay (HP:0001263), Flexion contracture (HP:0001371), Chalazion (HP:0010605). Study: Undiagnosed Diseases Network (NIH), UDN.
Comment: The c.1612delA change predicts a translation reading frameshift at amino acid 538 (p.T538fs) with subsequent premature translation termination and therefore is classified as pathogenic. The c.419T>G (p.F140C) variant has been previously reported as disease causing [PMID 26795593, 25356970].

Literature cited by the submitters: PubMed 30921410 (cited by Natera, Inc.); PubMed 31618753 (cited by Labcorp Genetics (formerly Invitae), Labcorp); PubMed 31665838 (cited by Labcorp Genetics (formerly Invitae), Labcorp); PubMed 35068129 (cited by Labcorp Genetics (formerly Invitae), Labcorp).

NM_020320.5(RARS2):c.1612del (p.Thr538fs)

Gene: RARS2 (arginyl-tRNA synthetase 2, mitochondrial; minus strand). Cytogenetic location: 6q15.
Variant type: Deletion.
Coding change: c.1612del on transcript NM_020320.5 (MANE Select); coding-DNA position 1612, one base deleted (A; older notation c.1612delA).
Protein change: p.Thr538fs; shifts the reading frame from threonine 538.
Molecular consequence: frameshift variant. On other transcripts: non-coding transcript variant (23).
Genome position (GRCh38, 1-based): chr6:87,514,995, T deleted on the plus strand (A on the coding strand, the reverse complement: RARS2 is on the minus strand); the first of 4 consecutive T bases (chr6:87,514,995-87,514,998); deleting any one gives the same sequence. VCF-style (leftmost placement, unchanged base first): chr6-87514994-GT-G. GRCh37 (hg19) VCF-style: chr6-88224712-GT-G.
Other names: c.1612del, p.Thr538fs (NM_001350505.2); c.1087del, p.Thr363fs (NM_001350506.2, NM_001350507.2, NM_001350508.2 and 4 more transcripts); c.1612del (NM_020320.4); short protein forms T363fs, T538fs.
Identifiers: ClinVar variation 522857 (VCV000522857.8), dbSNP rs781417096, ClinGen allele CA3916192.
Genomic context (GRCh38, chr6:87,514,994, plus strand): 5'-AGAAAACATTCAACATAACGTACCCCAGCCACTTCAGGAGGACTATCTTTTATTTGTAGT[GT>G]TTTGTGTGCCACAGCTGCAAGATGACTGAAACAGGAAGAGAGAAATCACGATAGTACCAG-3'